The following is an entry in ClinVar:

ClinVar aggregate classification (germline): Pathogenic. Review status: criteria provided, multiple submitters, no conflicts (2 of 4 stars). 2 submissions from 2 submitters: Pathogenic (2). Last evaluated 2025-04-03.

Conditions:
Autosomal recessive polycystic kidney disease (ARPKD). Also called: AR polycystic kidney disease. Identifiers: Orphanet 731, Orphanet 8378, MedGen C0085548, MeSH D017044, MONDO:0009889.

Submissions (2):

Natera, Inc.
Classification: Pathogenic for Autosomal recessive polycystic kidney disease. Last evaluated: 2025-04-03. Review status: criteria provided, single submitter. Criteria: Natera Variant Classification Schema (03/2026). Collection method: clinical testing. Allele origin: germline.
Comment: The c.2713C>T variant in PKHD1 is a nonsense variant predicted to introduce a stop codon at amino acid 905. This variant is expected to result in nonsense mediated decay, truncation, or a dysfunctional protein product. This variant is rare in the general population with a frequency below the threshold expected for the associated phenotype(s). This variant has been observed in one or more individuals affected with the associated recessive disease, as either homozygous or compound heterozygous with a second variant (PMID: 34536170, 26695994). Functional studies show that this variant may disrupt protein function (PMID: 34536170). Given the available evidence, this variant is classified as Pathogenic.

Labcorp Genetics (formerly Invitae), Labcorp
Classification: Pathogenic for Autosomal recessive polycystic kidney disease. Last evaluated: 2019-11-09. Review status: criteria provided, single submitter. Criteria: Invitae Variant Classification Sherloc (09022015). Collection method: clinical testing. Allele origin: germline.
Comment: For these reasons, this variant has been classified as Pathogenic. Loss-of-function variants in PKHD1 are known to be pathogenic (PMID: 19940839). This variant has been observed in individual(s) with polycystic kidney disease (PMID: 26695994). This variant is not present in population databases (ExAC no frequency). This sequence change creates a premature translational stop signal (p.Gln905*) in the PKHD1 gene. It is expected to result in an absent or disrupted protein product.

Literature cited by the submitters: PubMed 34536170 (cited by Natera, Inc.); PubMed 26695994 (cited by Natera, Inc. and Labcorp Genetics (formerly Invitae), Labcorp); PubMed 19940839 (cited by Labcorp Genetics (formerly Invitae), Labcorp).

NM_138694.4(PKHD1):c.2713C>T (p.Gln905Ter)

Gene: PKHD1 (PKHD1 ciliary IPT domain containing fibrocystin/polyductin; minus strand). Cytogenetic location: 6p12.2.
Variant type: single nucleotide variant.
Coding change: c.2713C>T on transcript NM_138694.4 (MANE Select); coding-DNA position 2713, C replaced by T.
Protein change: p.Gln905Ter; replaces glutamine 905 with a stop codon.
Molecular consequence: nonsense.
Genome position (GRCh38, 1-based): chr6:52,044,968, G>A on the plus strand (C>T on the coding strand, the complement: PKHD1 is on the minus strand). VCF-style: chr6-52044968-G-A. GRCh37 (hg19) VCF-style: chr6-51909766-G-A.
Other names: c.2713C>T, p.Gln905Ter (NM_170724.3); short protein forms Q905*.
Identifiers: ClinVar variation 968103 (VCV000968103.12), dbSNP rs1805547113, ClinGen allele CA364442749.
Genomic context (GRCh38, chr6:52,044,968, plus strand): 5'-AGGAGTGAGTTAGACTTGAAACTGGAGCTTGCACTTAGGGTGGCCCATTCACTCTCACCT[G>A]AGTATGCTGGTTGGCAGTAGCCAACATGTCTCCAAATATGGGTCCAAGAAAAACTCCACC-3'